The following is an entry in ClinVar:

NM_007294.4(BRCA1):c.697G>A (p.Val233Ile)

Gene: BRCA1 (BRCA1 DNA repair associated; minus strand). Cytogenetic location: 17q21.31.
Variant type: single nucleotide variant.
Coding change: c.697G>A on transcript NM_007294.4 (MANE Select); coding-DNA position 697, G replaced by A.
Protein change: p.Val233Ile; replaces valine 233 with isoleucine.
Molecular consequence: missense variant. On other transcripts: non-coding transcript variant (1).
Genome position (GRCh38, 1-based): chr17:43,094,834, C>T on the plus strand (G>A on the coding strand, the complement: BRCA1 is on the minus strand). VCF-style: chr17-43094834-C-T. GRCh37 (hg19) VCF-style: chr17-41246851-C-T.
Other names: c.484G>A, p.Val162Ile (NM_001407571.1, NM_001407853.1, NM_001407894.1 and 12 more transcripts); c.697G>A, p.Val233Ile (NM_001407581.1, NM_001407582.1, NM_001407583.1 and 54 more transcripts); c.694G>A, p.Val232Ile (NM_001407587.1, NM_001407590.1, NM_001407591.1 and 38 more transcripts); c.688G>A, p.Val230Ile (NM_001407646.1, NM_001407647.1, NM_001408408.1); c.574G>A, p.Val192Ile (NM_001407648.1, NM_001407664.1, NM_001407665.1 and 34 more transcripts); c.571G>A, p.Val191Ile (NM_001407649.1, NM_001407670.1, NM_001407671.1 and 20 more transcripts); c.619G>A, p.Val207Ile (NM_001407653.1, NM_001407654.1, NM_001407655.1 and 9 more transcripts); c.616G>A, p.Val206Ile (NM_001407659.1, NM_001407660.1, NM_001407661.1 and 3 more transcripts); and 14 more; short protein forms V233I, V186I, V106I, V122I, V144I, V162I, V165I, V206I.
Identifiers: ClinVar variation 630093 (VCV000630093.24), dbSNP rs959797914, ClinGen allele CA10600695.

ClinVar aggregate classification (germline): Conflicting classifications of pathogenicity. Review status: criteria provided, conflicting classifications (1 of 4 stars). 5 submissions from 5 submitters: Uncertain significance (3); Likely benign (2). Last evaluated 2025-06-24.

Conditions:
Hereditary breast ovarian cancer syndrome. Also called: Hereditary breast and ovarian cancer syndrome (HBOC); Hereditary breast and ovarian cancer; BRCA1- and BRCA2-Associated Hereditary Breast and Ovarian Cancer; Breast and ovarian cancer; Hereditary breast and ovarian cancer syndrome; Hereditary breast and/or ovarian cancer syndrome. Identifiers: Orphanet 145, MedGen C0677776, MeSH D061325, MONDO:0003582. Disease mechanism: loss of function.
Breast-ovarian cancer, familial, susceptibility to, 1 (BROVCA1). Also called: OVARIAN CANCER, SUSCEPTIBILITY TO; BRCA1 Hereditary Breast and Ovarian Cancer. Identifiers: Orphanet 145, MedGen C2676676, MONDO:0011450, OMIM 604370. Disease mechanism: loss of function.
Hereditary cancer-predisposing syndrome. Also called: Hereditary neoplastic syndrome; Tumor predisposition; Hereditary Cancer Syndrome; Neoplastic Syndromes, Hereditary. Identifiers: Orphanet 140162, MedGen C0027672, MeSH D009386, MONDO:0015356.

Allele frequency attached by ClinVar (database versions not stated): TOPMed 0.00001.

Submissions (5):

Labcorp Genetics (formerly Invitae), Labcorp
Classification: Uncertain significance for Hereditary breast ovarian cancer syndrome. Last evaluated: 2025-06-24. Review status: criteria provided, single submitter. Criteria: Invitae Variant Classification Sherloc (09022015). Collection method: clinical testing. Allele origin: germline.
Comment: This sequence change replaces valine, which is neutral and non-polar, with isoleucine, which is neutral and non-polar, at codon 233 of the BRCA1 protein (p.Val233Ile). This variant is not present in population databases (gnomAD no frequency). This variant has not been reported in the literature in individuals affected with BRCA1-related conditions. ClinVar contains an entry for this variant (Variation ID: 630093). Invitae Evidence Modeling of protein sequence and biophysical properties (such as structural, functional, and spatial information, amino acid conservation, physicochemical variation, residue mobility, and thermodynamic stability) indicates that this missense variant is not expected to disrupt BRCA1 protein function with a negative predictive value of 80%. In summary, the available evidence is currently insufficient to determine the role of this variant in disease. Therefore, it has been classified as a Variant of Uncertain Significance.

Color Diagnostics, LLC DBA Color Health
Classification: Uncertain significance for Hereditary cancer-predisposing syndrome. Last evaluated: 2025-05-27. Review status: criteria provided, single submitter. Criteria: ACMG Guidelines, 2015. Collection method: clinical testing. Allele origin: germline.
Comment: This missense variant replaces valine with isoleucine at codon 233 of the BRCA1 protein. Computational prediction is inconclusive regarding the impact of this variant on protein structure and function. To our knowledge, functional studies have not been reported for this variant. This variant has not been reported in individuals affected with BRCA1-related disorders in the literature. This variant has not been identified in the general population by the Genome Aggregation Database (gnomAD). The available evidence is insufficient to determine the role of this variant in disease conclusively. Therefore, this variant is classified as a Variant of Uncertain Significance.

All of Us Research Program, National Institutes of Health
Classification: Uncertain significance for Breast-ovarian cancer, familial, susceptibility to, 1. Last evaluated: 2023-03-23. Review status: criteria provided, single submitter. Criteria: ACMG Guidelines, 2015. Collection method: clinical testing. Allele origin: germline. Inheritance: Autosomal dominant inheritance. Observed: 1 variant allele, 1 heterozygote.
Comment: This missense variant replaces valine with isoleucine at codon 233 of the BRCA1 protein. Computational prediction is inconclusive regarding the impact of this variant on protein structure and function (internally defined REVEL score threshold 0.5 < inconclusive < 0.7, PMID: 27666373). To our knowledge, functional studies have not been reported for this variant. This variant has not been reported in individuals affected with BRCA1-related disorders in the literature. This variant has not been identified in the general population by the Genome Aggregation Database (gnomAD). The available evidence is insufficient to determine the role of this variant in disease conclusively. Therefore, this variant is classified as a Variant of Uncertain Significance.

This study involves interpretation of variants in research participants for the purpose of population health screening. Participant phenotype was not available at the time of variant classification. Additional details can be found in publication PMID: 35346344, PMCID: PMC8962531

University of Washington Department of Laboratory Medicine, University of Washington
Classification: Likely benign for Hereditary cancer-predisposing syndrome. Last evaluated: 2023-03-23. Review status: criteria provided, single submitter. Criteria: Dines et al. (Genet Med. 2020). Collection method: curation. Allele origin: germline.
Comment: Missense variant in a coldspot region where missense variants are very unlikely to be pathogenic (PMID:31911673).

BRCA1 coldspot (exon 11 using historical exon numbering). Reclassification based on statistical prior probability

Ambry Genetics
Classification: Likely benign for Hereditary cancer-predisposing syndrome. Last evaluated: 2019-04-24. Review status: criteria provided, single submitter. Criteria: Ambry Variant Classification Scheme 2023. Collection method: clinical testing. Allele origin: germline.